The following is an entry in ClinVar:

ClinVar aggregate classification (germline): Benign/Likely benign. Review status: criteria provided, multiple submitters, no conflicts (2 of 4 stars). 10 submissions from 10 submitters: Benign (6); Likely benign (1). 3 of the submissions do not count toward it. Last evaluated 2026-01-21.

Conditions:
Left-right axis malformations. Identifiers: MedGen C1866091.

Allele frequency attached by ClinVar (database versions not stated): ESP Exome Variant Server 0.02606; gnomAD 0.02669 and 0.02967; TOPMed 0.02907; gnomAD exomes 0.04080; ExAC 0.04235; 1000 Genomes Project 30x 0.04809; 1000 Genomes Project 0.05112.
gnomAD v4.1: 60,647 of 1,613,636 alleles (3.8%); highest among the groups gnomAD compares: East Asian, 12%; 1,509 homozygotes.

Submissions (10):

Labcorp Genetics (formerly Invitae), Labcorp
Classification: Benign for Left-right axis malformations. Last evaluated: 2026-01-21. Review status: criteria provided, single submitter. Criteria: Invitae Variant Classification Sherloc (09022015). Collection method: clinical testing. Allele origin: germline.

Blueprint Genetics
Classification: Likely benign. Last evaluated: 2024-11-26. Review status: criteria provided, single submitter. Criteria: ACMG Guidelines, 2015. Collection method: clinical testing. Allele origin: germline.

Eurofins Ntd Llc (ga)
Classification: Benign. Last evaluated: 2018-06-18. Review status: criteria provided, single submitter. Criteria: EGL ClinVar v180209 classification definitions. Collection method: clinical testing. Allele origin: germline. Observed: 1 variant allele, 1 heterozygote.

Illumina Laboratory Services, Illumina
Classification: Benign for Left-right axis malformations. Last evaluated: 2018-01-13. Review status: criteria provided, single submitter. Criteria: ICSL Variant Classification Criteria 13 December 2019. Collection method: clinical testing. Allele origin: germline.
Comment: This variant was observed in the ICSL laboratory as part of a predisposition screen in an ostensibly healthy population. It had not been previously curated by ICSL or reported in the Human Gene Mutation Database (HGMD: prior to June 1st, 2018), and was therefore a candidate for classification through an automated scoring system. Utilizing variant allele frequency, disease prevalence and penetrance estimates, and inheritance mode, an automated score was calculated to assess if this variant is too frequent to cause the disease. Based on the score and internal cut-off values, a variant classified as benign is not then subjected to further curation. The score for this variant resulted in a classification of benign for this disease.

GeneDx
Classification: Benign. Last evaluated: 2012-12-20. Review status: criteria provided, single submitter. Criteria: GeneDx Variant Classification (06012015). Collection method: clinical testing. Allele origin: germline. Affected: yes.
Comment: This variant is considered likely benign or benign based on one or more of the following criteria: it is a conservative change, it occurs at a poorly conserved position in the protein, it is predicted to be benign by multiple in silico algorithms, and/or has population frequency not consistent with disease.

Breakthrough Genomics
Classification: Benign. Review status: criteria provided, single submitter. Criteria: ACMG Guidelines, 2015. Collection method: not provided. Allele origin: germline. Inheritance: Unknown mechanism. Affected: yes.

PreventionGenetics, part of Exact Sciences
Classification: Benign. Review status: criteria provided, single submitter. Criteria: ACMG Guidelines, 2015. Collection method: clinical testing. Allele origin: germline.

Clinical Genetics DNA and cytogenetics Diagnostics Lab, Erasmus MC, Erasmus Medical Center
Classification: Benign. Review status: no assertion criteria provided. Collection method: clinical testing. Allele origin: germline. Affected: yes. Study: VKGL Data-share Consensus. Not counted in ClinVar's aggregate classification.

Genome Diagnostics Laboratory, University Medical Center Utrecht
Classification: Likely benign. Review status: no assertion criteria provided. Collection method: clinical testing. Allele origin: germline. Affected: yes. Study: VKGL Data-share Consensus. Not counted in ClinVar's aggregate classification.

Laboratory of Diagnostic Genome Analysis, Leiden University Medical Center (LUMC)
Classification: Likely benign. Review status: no assertion criteria provided. Collection method: clinical testing. Allele origin: germline. Affected: yes. Study: VKGL Data-share Consensus. Not counted in ClinVar's aggregate classification.

NM_003240.5(LEFTY2):c.857C>T (p.Pro286Leu)

Gene: LEFTY2 (left-right determination factor 2; minus strand). Cytogenetic location: 1q42.12.
Variant type: single nucleotide variant.
Coding change: c.857C>T on transcript NM_003240.5 (MANE Select); coding-DNA position 857, C replaced by T.
Protein change: p.Pro286Leu; replaces proline 286 with leucine.
Molecular consequence: missense variant.
Genome position (GRCh38, 1-based): chr1:225,937,685, G>A on the plus strand (C>T on the coding strand, the complement: LEFTY2 is on the minus strand). VCF-style: chr1-225937685-G-A. GRCh37 (hg19) VCF-style: chr1-226125385-G-A.
Other names: p.P286L:CCG>CTG; c.755C>T, p.Pro252Leu (NM_001172425.3); short protein forms P286L, P252L.
Identifiers: ClinVar variation 138110 (VCV000138110.24), dbSNP rs2295418, ClinGen allele CA291915.